The following is an entry in ClinVar:

ClinVar aggregate classification (germline): Uncertain significance (1 of 4 stars; one submission).

Allele frequency attached by ClinVar (database versions not stated): gnomAD exomes below 0.00001.
gnomAD v4.1: 3 of 1,614,168 alleles (0.00019%); highest among the groups gnomAD compares: Non-Finnish European, 0.00025%; no homozygotes.

Submission:

Labcorp Genetics (formerly Invitae), Labcorp
Classification: Uncertain significance. Last evaluated: 2022-04-02. Review status: criteria provided, single submitter. Criteria: Invitae Variant Classification Sherloc (09022015). Collection method: clinical testing. Allele origin: germline.
Comment: In summary, the available evidence is currently insufficient to determine the role of this variant in disease. Therefore, it has been classified as a Variant of Uncertain Significance. Algorithms developed to predict the effect of missense changes on protein structure and function (SIFT, PolyPhen-2, Align-GVGD) all suggest that this variant is likely to be tolerated. This variant has not been reported in the literature in individuals affected with ASAH1-related conditions. This variant is present in population databases (no rsID available, gnomAD 0.006%). This sequence change replaces leucine, which is neutral and non-polar, with serine, which is neutral and polar, at codon 269 of the ASAH1 protein (p.Leu269Ser).

NM_177924.5(ASAH1):c.806T>C (p.Leu269Ser)

Gene: ASAH1 (N-acylsphingosine amidohydrolase 1; minus strand). Cytogenetic location: 8p22.
Variant type: single nucleotide variant.
Coding change: c.806T>C on transcript NM_177924.5 (MANE Select); coding-DNA position 806, T replaced by C.
Protein change: p.Leu269Ser; replaces leucine 269 with serine.
Molecular consequence: missense variant.
Genome position (GRCh38, 1-based): chr8:18,059,683, A>G on the plus strand (T>C on the coding strand, the complement: ASAH1 is on the minus strand). VCF-style: chr8-18059683-A-G. GRCh37 (hg19) VCF-style: chr8-17917192-A-G.
Other names: c.788T>C, p.Leu263Ser (NM_001127505.3); c.611T>C, p.Leu204Ser (NM_001363743.2); c.854T>C, p.Leu285Ser (NM_004315.6); short protein forms L263S, L269S, L285S, L204S.
Identifiers: ClinVar variation 2120915 (VCV002120915.2), dbSNP rs1391087697, ClinGen allele CA370428343.